The following is an entry in ClinVar:

NM_000321.3(RB1):c.1121_1122del (p.Pro374fs)

Gene: RB1 (RB transcriptional corepressor 1; plus strand). Cytogenetic location: 13q14.2.
Variant type: Deletion.
Coding change: c.1121_1122del on transcript NM_000321.3 (MANE Select); coding-DNA positions 1121 to 1122, 2 bases deleted (CA; older notation c.1121_1122delCA).
Protein change: p.Pro374fs; shifts the reading frame from proline 374.
Molecular consequence: frameshift variant.
Genome position (GRCh38, 1-based): chr13:48,368,598-48,368,599, CA deleted. VCF-style (leftmost placement, unchanged base first): chr13-48368597-CCA-C. GRCh37 (hg19) VCF-style: chr13-48942733-CCA-C.
Other names: c.1121_1122delCA, p.Pro374Argfs (NM_000321.2); c.1121_1122del, p.Pro374fs (NM_001407165.1, NM_001407166.1); short protein forms P374fs.
Identifiers: ClinVar variation 4056129 (VCV004056129.2).

ClinVar aggregate classification (germline): Pathogenic (1 of 4 stars; one submission).

Conditions:
Retinoblastoma (RB1). Also called: RETINOBLASTOMA, SOMATIC. Identifiers: Orphanet 790, MedGen C0035335, MeSH D012175, MONDO:0008380, OMIM 180200, HP:0009919. Disease mechanism: loss of function. Inheritance: Both sporadic and heritable forms are tested..

Submission:

St. Jude Molecular Pathology, St. Jude Children's Research Hospital
Classification: Pathogenic for Retinoblastoma. Last evaluated: 2025-06-17. Review status: criteria provided, single submitter. Criteria: St. Jude Assertion Criteria 2020. Collection method: clinical testing. Allele origin: germline.
Comment: The RB1 c.1121_1122del p.(Pro374ArgfsTer2) change deletes two nucleotides to cause a frameshift and the creation of a premature stop codon. This change is predicted to cause protein truncation or absence of protein due to nonsense-mediated decay. This variant has been reported in individuals with retinoblastoma (PMID: 31772335, 33456302, internal data). This variant is also absent in gnomAD v2.1.1. In summary, this variant meets criteria to be classified as pathogenic.